The following is an entry in ClinVar:

ClinVar aggregate classification (germline): Conflicting classifications of pathogenicity. Review status: criteria provided, conflicting classifications (1 of 4 stars). 8 submissions from 8 submitters: Uncertain significance (1); Benign (1); Likely benign (6). Last evaluated 2026-07-01.

Conditions:
Inborn genetic diseases. Identifiers: MedGen C0950123, MeSH D030342.
Fanconi anemia (FA). Also called: Fanconi's anemia. Identifiers: Orphanet 84, MedGen C0015625, MeSH D005199, MONDO:0019391.
Hereditary breast ovarian cancer syndrome. Also called: Hereditary breast and ovarian cancer; Hereditary breast and ovarian cancer syndrome (HBOC); Breast and ovarian cancer; BRCA1- and BRCA2-Associated Hereditary Breast and Ovarian Cancer; Hereditary breast and ovarian cancer syndrome; Hereditary breast and/or ovarian cancer syndrome. Identifiers: Orphanet 145, MedGen C0677776, MeSH D061325, MONDO:0003582. Disease mechanism: loss of function.
Fanconi anemia complementation group D2. Also called: FANCD2-Related Fanconi Anemia; FANCONI PANCYTOPENIA, TYPE 4; FANCONI ANEMIA, COMPLEMENTATION GROUP D. Identifiers: Orphanet 84, MedGen C3160738, MONDO:0009214, OMIM 227646.

Allele frequency attached by ClinVar (database versions not stated): ExAC 0.00003; gnomAD exomes 0.00003; 1000 Genomes Project 0.00200.

Submissions (8):

Ambry Genetics
Classification: Likely benign for Inborn genetic diseases. Last evaluated: 2026-07-01. Review status: criteria provided, single submitter. Criteria: Ambry Variant Classification Scheme 2023. Collection method: clinical testing. Allele origin: germline.

Labcorp Genetics (formerly Invitae), Labcorp
Classification: Likely benign for Fanconi anemia. Last evaluated: 2025-05-05. Review status: criteria provided, single submitter. Criteria: Invitae Variant Classification Sherloc (09022015). Collection method: clinical testing. Allele origin: germline.

Laboratory of Genetics, Children's Clinical University Hospital Latvia
Classification: Likely benign. Last evaluated: 2025-02-16. Review status: criteria provided, single submitter. Criteria: ACMG Guidelines, 2015. Collection method: clinical testing. Allele origin: germline. Affected: yes.

Blueprint Genetics
Classification: Likely benign. Last evaluated: 2024-11-23. Review status: criteria provided, single submitter. Criteria: ACMG Guidelines, 2015. Collection method: clinical testing. Allele origin: germline.

National Health Laboratory Service, Universitas Academic Hospital and University of the Free State
Classification: Benign for Hereditary breast ovarian cancer syndrome. Last evaluated: 2022-04-19. Review status: criteria provided, single submitter. Criteria: ACMG Guidelines, 2015. Collection method: clinical testing. Allele origin: germline. Affected: yes. Observed: 12 variant alleles.

Sema4
Classification: Likely benign for Fanconi anemia. Last evaluated: 2021-04-27. Review status: criteria provided, single submitter. Criteria: Sema4 Curation Guidelines. Collection method: curation. Allele origin: germline.

GeneDx
Classification: Likely benign. Last evaluated: 2019-07-05. Review status: criteria provided, single submitter. Criteria: GeneDx Variant Classification Process June 2021. Collection method: clinical testing. Allele origin: germline. Affected: yes.
Comment: This variant is associated with the following publications: (PMID: 11239453, 16280053)

Illumina Laboratory Services, Illumina
Classification: Uncertain significance for Fanconi anemia complementation group D2. Last evaluated: 2018-01-13. Review status: criteria provided, single submitter. Criteria: ICSL Variant Classification Criteria 13 December 2019. Collection method: clinical testing. Allele origin: germline.

NM_001018115.3(FANCD2):c.1440T>C (p.His480=)

Genes: FANCD2 (FA complementation group D2; plus strand), LOC107303338 (3p25 FANCD2 Alu-mediated recombination region; plus strand). Cytogenetic location: 3p25.3.
Variant type: single nucleotide variant.
Coding change: c.1440T>C on transcript NM_001018115.3 (MANE Select); coding-DNA position 1440, T replaced by C.
Protein change: p.His480=; no amino-acid change (histidine 480 retained).
Molecular consequence: synonymous variant.
Genome position (GRCh38, 1-based): chr3:10,049,400, T>C. VCF-style: chr3-10049400-T-C. GRCh37 (hg19) VCF-style: chr3-10091084-T-C.
Other names: NP_001018125.1:p.His480=; c.1440T>C, p.His480= (NM_001319984.2, NM_001374253.1, NM_001374254.1 and 1 more transcripts).
Identifiers: ClinVar variation 241732 (VCV000241732.25), dbSNP rs375412395, ClinGen allele CA2249667.
Genomic context (GRCh38, chr3:10,049,400, plus strand): 5'-TTTTACACTGTTCTGTTGACTCTCCCCTGTATAGGAAGTGGTTGGTGCCTTAGTGACCCA[T>C]ATCTGCAGTGGGAATGAAGCTGAAGTTGATACTGCCTTAGATGTCCTTCTAGAGTTGGTA-3'
Protein context (NP_001018125.1, residues 470-490): QQEVVGALVT[His480=]ICSGNEAEVD